The following is an entry in ClinVar:

ClinVar aggregate classification (germline): Likely benign. Review status: criteria provided, single submitter (1 of 4 stars). 2 submissions from 2 submitters: Likely benign (1). 1 of the submissions does not count toward it. Last evaluated 2018-12-13.

Conditions:
ZNF589-related disorder. Also called: ZNF589-related condition.

Allele frequency attached by ClinVar (database versions not stated): ExAC 0.00027; ESP Exome Variant Server 0.00069; gnomAD 0.00094 and 0.00102; 1000 Genomes Project 0.00100; 1000 Genomes Project 30x 0.00109; TOPMed 0.00110.
gnomAD v4.1: 300 of 1,614,088 alleles (0.019%); highest among the groups gnomAD compares: African/African-American, 0.35%; no homozygotes.

Submissions (2):

Labcorp Genetics (formerly Invitae), Labcorp
Classification: Likely benign. Last evaluated: 2018-12-13. Review status: criteria provided, single submitter. Criteria: Invitae Variant Classification Sherloc (09022015). Collection method: clinical testing. Allele origin: germline.

PreventionGenetics, part of Exact Sciences
Classification: Likely benign for ZNF589-related condition. Last evaluated: 2022-08-10. Review status: no assertion criteria provided. Collection method: clinical testing. Allele origin: germline. Not counted in ClinVar's aggregate classification.
Comment: This variant is classified as likely benign based on ACMG/AMP sequence variant interpretation guidelines (Richards et al. 2015 PMID: 25741868, with internal and published modifications).

NM_016089.3(ZNF589):c.763C>T (p.Arg255Ter)

Gene: ZNF589 (zinc finger protein 589; plus strand). Cytogenetic location: 3p21.31.
Variant type: single nucleotide variant.
Coding change: c.763C>T on transcript NM_016089.3 (MANE Select); coding-DNA position 763, C replaced by T.
Protein change: p.Arg255Ter; replaces arginine 255 with a stop codon.
Molecular consequence: nonsense.
Genome position (GRCh38, 1-based): chr3:48,268,454, C>T. VCF-style: chr3-48268454-C-T. GRCh37 (hg19) VCF-style: chr3-48309944-C-T.
Other names: short protein forms R255*.
Identifiers: ClinVar variation 791241 (VCV000791241.5), dbSNP rs202092368, ClinGen allele CA2372680.